The following is an entry in ClinVar:

ClinVar aggregate classification (germline): Pathogenic (1 of 4 stars; one submission).

Submission:

Labcorp Genetics (formerly Invitae), Labcorp
Classification: Pathogenic. Last evaluated: 2023-01-21. Review status: criteria provided, single submitter. Criteria: Invitae Variant Classification Sherloc (09022015). Collection method: clinical testing. Allele origin: germline.
Comment: This sequence change creates a premature translational stop signal (p.Ala425Glyfs*22) in the GLE1 gene. It is expected to result in an absent or disrupted protein product. Loss-of-function variants in GLE1 are known to be pathogenic (PMID: 18204449, 24243016, 27684565). This variant is not present in population databases (gnomAD no frequency). This variant has not been reported in the literature in individuals affected with GLE1-related conditions. For these reasons, this variant has been classified as Pathogenic.

Literature cited by the submitters: PubMed 18204449; PubMed 24243016; PubMed 27684565.

NM_001003722.2(GLE1):c.1273dup (p.Ala425fs)

Gene: GLE1 (GLE1 RNA export mediator; plus strand). Cytogenetic location: 9q34.11.
Variant type: Duplication.
Coding change: c.1273dup on transcript NM_001003722.2 (MANE Select); coding-DNA position 1273, one base duplicated (G; older notation c.1273dupG).
Protein change: p.Ala425fs; shifts the reading frame from alanine 425.
Molecular consequence: frameshift variant.
Genome position (GRCh38, 1-based): chr9:128,527,486, G duplicated; the last of 2 consecutive G bases (chr9:128,527,485-128,527,486); duplicating either gives the same sequence. VCF-style (leftmost placement, unchanged base first): chr9-128527484-A-AG. GRCh37 (hg19) VCF-style: chr9-131289763-A-AG.
Other names: c.1273dup, p.Ala425fs (NM_001411013.1, NM_001499.2); short protein forms A425fs.
Identifiers: ClinVar variation 2830816 (VCV002830816.3), dbSNP rs2540608655, ClinGen allele CA2739265098.